The following is an entry in ClinVar:

ClinVar aggregate classification (germline): Uncertain significance (1 of 4 stars; one submission).

Conditions:
Cardiovascular phenotype. Identifiers: MedGen CN230736.

gnomAD v4.1: 1 of 1,535,940 alleles (0.000065%); highest among the groups gnomAD compares: Non-Finnish European, 0.000087%; no homozygotes.

Submission:

Ambry Genetics
Classification: Uncertain significance for Cardiovascular phenotype. Last evaluated: 2024-08-19. Review status: criteria provided, single submitter. Criteria: Ambry Variant Classification Scheme 2023. Collection method: clinical testing. Allele origin: germline.
Comment: The p.R1134C variant (also known as c.3400C>T), located in coding exon 2 of the ZNF469 gene, results from a C to T substitution at nucleotide position 3400. The arginine at codon 1134 is replaced by cysteine, an amino acid with highly dissimilar properties. This amino acid position is conserved. In addition, this alteration is predicted to be tolerated by in silico analysis. Based on the available evidence, the clinical significance of this variant remains unclear.

NM_001367624.2(ZNF469):c.3484C>T (p.Arg1162Cys)

Gene: ZNF469 (zinc finger protein 469; plus strand). Cytogenetic location: 16q24.2.
Variant type: single nucleotide variant.
Coding change: c.3484C>T on transcript NM_001367624.2 (MANE Select); coding-DNA position 3484, C replaced by T.
Protein change: p.Arg1162Cys; replaces arginine 1162 with cysteine.
Molecular consequence: missense variant.
Genome position (GRCh38, 1-based): chr16:88,430,954, C>T. VCF-style: chr16-88430954-C-T. GRCh37 (hg19) VCF-style: chr16-88497362-C-T.
Other names: NM_001127464.1:c.3400C>T; short protein forms R1162C.
Identifiers: ClinVar variation 3476190 (VCV003476190.1).